The following is an entry in ClinVar:

ClinVar aggregate classification (germline): Uncertain significance (1 of 4 stars; one submission).

Conditions:
Giant axonal neuropathy 1 (GAN1). Also called: GIANT AXONAL NEUROPATHY 1, AUTOSOMAL RECESSIVE; GAN-Related Neurodegeneration. Identifiers: Orphanet 643, MedGen C1850386, MONDO:0009749, OMIM 256850.

Submission:

Labcorp Genetics (formerly Invitae), Labcorp
Classification: Uncertain significance for Giant axonal neuropathy 1. Last evaluated: 2022-06-27. Review status: criteria provided, single submitter. Criteria: Invitae Variant Classification Sherloc (09022015). Collection method: clinical testing. Allele origin: germline.
Comment: A copy number gain of the genomic region encompassing the full coding sequence of the GAN gene has been identified. The boundaries of this event are unknown as they extend beyond the assayed region for this gene and therefore may encompass additional genes. As the precise location of this event is unknown, it may be in tandem or it may be located elsewhere in the genome. This variant has not been reported in the literature in individuals affected with GAN-related conditions. In summary, the available evidence is currently insufficient to determine the role of this variant in disease. Therefore, it has been classified as a Variant of Uncertain Significance.

NC_000016.9:g.(?_81348719)_(81411201_?)dup

Gene: GAN (gigaxonin; plus strand). Cytogenetic location: 16q23.2.
Variant type: Duplication.
Identifiers: ClinVar variation 1444937 (VCV001444937.4).